The following is an entry in ClinVar:

ClinVar aggregate classification (germline): Uncertain significance. Review status: criteria provided, multiple submitters, no conflicts (2 of 4 stars). 2 submissions from 2 submitters: Uncertain significance (2). Last evaluated 2025-08-13.

Allele frequency attached by ClinVar (database versions not stated): TOPMed 0.00003; gnomAD 0.00004 and 0.00005; gnomAD exomes 0.00005; ESP Exome Variant Server 0.00016; ExAC 0.00018; 1000 Genomes Project 30x 0.00031; 1000 Genomes Project 0.00040.

Submissions (2):

Ambry Genetics
Classification: Uncertain significance. Last evaluated: 2025-08-13. Review status: criteria provided, single submitter. Criteria: Ambry Variant Classification Scheme 2023. Collection method: clinical testing. Allele origin: germline.

Labcorp Genetics (formerly Invitae), Labcorp
Classification: Uncertain significance. Last evaluated: 2025-04-12. Review status: criteria provided, single submitter. Criteria: Invitae Variant Classification Sherloc (09022015). Collection method: clinical testing. Allele origin: germline.
Comment: This sequence change replaces proline, which is neutral and non-polar, with leucine, which is neutral and non-polar, at codon 276 of the PLEKHM2 protein (p.Pro276Leu). This variant is present in population databases (rs148791341, gnomAD 0.03%). This variant has not been reported in the literature in individuals affected with PLEKHM2-related conditions. ClinVar contains an entry for this variant (Variation ID: 1374351). An algorithm developed to predict the effect of missense changes on protein structure and function (PolyPhen-2) suggests that this variant is likely to be tolerated. In summary, the available evidence is currently insufficient to determine the role of this variant in disease. Therefore, it has been classified as a Variant of Uncertain Significance.

NM_015164.4(PLEKHM2):c.827C>T (p.Pro276Leu)

Gene: PLEKHM2 (pleckstrin homology and RUN domain containing M2; plus strand). Cytogenetic location: 1p36.21.
Variant type: single nucleotide variant.
Coding change: c.827C>T on transcript NM_015164.4 (MANE Select); coding-DNA position 827, C replaced by T.
Protein change: p.Pro276Leu; replaces proline 276 with leucine.
Molecular consequence: missense variant.
Genome position (GRCh38, 1-based): chr1:15,725,431, C>T. VCF-style: chr1-15725431-C-T. GRCh37 (hg19) VCF-style: chr1-16051926-C-T.
Other names: c.827C>T (NM_015164.2); short protein forms P276L.
Identifiers: ClinVar variation 1374351 (VCV001374351.9), dbSNP rs148791341, ClinGen allele CA616781.